The following is an entry in ClinVar:

ClinVar aggregate classification (germline): Uncertain significance (1 of 4 stars; one submission).

Allele frequency attached by ClinVar (database versions not stated): TOPMed below 0.00001; gnomAD 0.00001; gnomAD exomes 0.00001.

Submission:

GeneDx
Classification: Uncertain significance. Last evaluated: 2022-09-27. Review status: criteria provided, single submitter. Criteria: GeneDx Variant Classification Process June 2021. Collection method: clinical testing. Allele origin: germline. Affected: yes.
Comment: Not observed at significant frequency in large population cohorts (gnomAD); In silico analysis supports that this missense variant has a deleterious effect on protein structure/function; Has not been previously published as pathogenic or benign to our knowledge

NM_005022.4(PFN1):c.185A>G (p.Asn62Ser)

Gene: PFN1 (profilin 1; minus strand). Cytogenetic location: 17p13.2.
Variant type: single nucleotide variant.
Coding change: c.185A>G on transcript NM_005022.4 (MANE Select); coding-DNA position 185, A replaced by G.
Protein change: p.Asn62Ser; replaces asparagine 62 with serine.
Molecular consequence: missense variant.
Genome position (GRCh38, 1-based): chr17:4,946,768, T>C on the plus strand (A>G on the coding strand, the complement: PFN1 is on the minus strand). VCF-style: chr17-4946768-T-C. GRCh37 (hg19) VCF-style: chr17-4850063-T-C.
Other names: c.185A>G, p.Asn62Ser (NM_001375991.1); short protein forms N62S.
Identifiers: ClinVar variation 2446335 (VCV002446335.1), dbSNP rs1971406196, ClinGen allele CA397273904.
Genomic context (GRCh38, chr17:4,946,768, plus strand): 5'-CCATCCTGCAGCAGTGAGTCCCGGATCACCGAACATTTCTGGCCCCCAAGTGTCAGCCCA[T>C]TCACGTAAAAACTTGACCGGTCTTTGCCAACCAGGACACCCACCTCAGCTGGCTGGAAGA-3'
Protein context (NP_005013.1, residues 52-72): VGKDRSSFYV[Asn62Ser]GLTLGGQKCS